The following is an entry in ClinVar:

ClinVar aggregate classification (germline): Uncertain significance (1 of 4 stars; one submission).

Submission:

GeneDx
Classification: Uncertain significance. Last evaluated: 2019-11-04. Review status: criteria provided, single submitter. Criteria: GeneDx Variant Classification Process June 2021. Collection method: clinical testing. Allele origin: germline. Affected: yes.
Comment: Not observed in large population cohorts (Lek et al., 2016); In silico analysis, which includes protein predictors and evolutionary conservation, supports that this variant does not alter protein structure/function; Has not been previously published as pathogenic or benign to our knowledge

NM_000142.5(FGFR3):c.43G>T (p.Ala15Ser)

Gene: FGFR3 (fibroblast growth factor receptor 3; plus strand). Cytogenetic location: 4p16.3.
Variant type: single nucleotide variant.
Coding change: c.43G>T on transcript NM_000142.5 (MANE Select); coding-DNA position 43, G replaced by T.
Protein change: p.Ala15Ser; replaces alanine 15 with serine.
Molecular consequence: missense variant. On other transcripts: non-coding transcript variant (1).
Genome position (GRCh38, 1-based): chr4:1,793,977, G>T. VCF-style: chr4-1793977-G-T. GRCh37 (hg19) VCF-style: chr4-1795704-G-T.
Other names: c.43G>T, p.Ala15Ser (NM_001163213.2, NM_001354809.2, NM_001354810.2 and 1 more transcripts); short protein forms A15S.
Identifiers: ClinVar variation 1197738 (VCV001197738.2), dbSNP rs573850631, ClinGen allele CA355985490.
Genomic context (GRCh38, chr4:1,793,977, plus strand): 5'-GCGGCCCCCGCCCCCGCCATGGGCGCCCCTGCCTGCGCCCTCGCGCTCTGCGTGGCCGTG[G>T]CCATCGTGGCCGGCGCCTCCTCGGAGTCCTTGGGGACGGAGCAGCGCGTCGTGGGGCGAG-3'
Protein context (NP_000133.1, residues 5-25): ACALALCVAV[Ala15Ser]IVAGASSESL